The following is an entry in ClinVar:

ClinVar aggregate classification (germline): Uncertain significance (1 of 4 stars; one submission).

Conditions:
Cardiovascular phenotype. Identifiers: MedGen CN230736.

Submission:

Ambry Genetics
Classification: Uncertain significance for Cardiovascular phenotype. Last evaluated: 2023-04-04. Review status: criteria provided, single submitter. Criteria: Ambry Variant Classification Scheme 2023. Collection method: clinical testing. Allele origin: germline.
Comment: The p.L239F variant (also known as c.717G>C), located in coding exon 8 of the DMD gene, results from a G to C substitution at nucleotide position 717. The leucine at codon 239 is replaced by phenylalanine, an amino acid with highly similar properties. This amino acid position is highly conserved in available vertebrate species. In addition, the in silico prediction for this alteration is inconclusive. Since supporting evidence is limited at this time, the clinical significance of this alteration remains unclear.

NM_004006.3(DMD):c.717G>C (p.Leu239Phe)

Gene: DMD (dystrophin; minus strand). Cytogenetic location: Xp21.1.
Variant type: single nucleotide variant.
Coding change: c.717G>C on transcript NM_004006.3 (MANE Select); coding-DNA position 717, G replaced by C.
Protein change: p.Leu239Phe; replaces leucine 239 with phenylalanine.
Molecular consequence: missense variant.
Genome position (GRCh38, 1-based): chrX:32,699,226, C>G on the plus strand (G>C on the coding strand, the complement: DMD is on the minus strand). VCF-style: chrX-32699226-C-G. GRCh37 (hg19) VCF-style: chrX-32717343-C-G.
Other names: c.693G>C, p.Leu231Phe (NM_000109.4); c.705G>C, p.Leu235Phe (NM_004009.3); c.348G>C, p.Leu116Phe (NM_004010.3); short protein forms L231F, L116F, L235F, L239F.
Identifiers: ClinVar variation 2565090 (VCV002565090.2), dbSNP rs1222379202, ClinGen allele CA412669040.